The following is an entry in ClinVar:

ClinVar aggregate classification (germline): Likely benign. Review status: criteria provided, multiple submitters, no conflicts (2 of 4 stars). 3 submissions from 3 submitters: Likely benign (3). Last evaluated 2025-04-29.

Conditions:
ADAMTS2-related disorder. Also called: ADAMTS2-related condition.
Ehlers-Danlos syndrome, dermatosparaxis type. Also called: EDS VIIC; Dermatosparaxis; Ehlers-Danlos syndrome, type VII, autosomal recessive. Identifiers: Orphanet 1901, MedGen C2700425, MONDO:0009161, OMIM 225410.

Allele frequency attached by ClinVar (database versions not stated): gnomAD exomes 0.00001; gnomAD 0.00004; TOPMed 0.00007; ESP Exome Variant Server 0.00008.
gnomAD v4.1: 18 of 1,613,194 alleles (0.0011%); highest among the groups gnomAD compares: African/African-American, 0.011%; no homozygotes.

Submissions (3):

PreventionGenetics, part of Exact Sciences
Classification: Likely benign for ADAMTS2-related condition. Last evaluated: 2025-04-29. Review status: criteria provided, single submitter. Criteria: ACMG Guidelines, 2015. Collection method: clinical testing. Allele origin: germline.
Comment: This variant is classified as likely benign based on ACMG/AMP sequence variant interpretation guidelines (Richards et al. 2015 PMID: 25741868, with internal and published modifications).

Labcorp Genetics (formerly Invitae), Labcorp
Classification: Likely benign for Ehlers-Danlos syndrome, dermatosparaxis type. Last evaluated: 2024-01-14. Review status: criteria provided, single submitter. Criteria: Invitae Variant Classification Sherloc (09022015). Collection method: clinical testing. Allele origin: germline.

GeneDx
Classification: Likely benign. Last evaluated: 2017-10-03. Review status: criteria provided, single submitter. Criteria: GeneDx Variant Classification (06012015). Collection method: clinical testing. Allele origin: germline. Affected: yes.
Comment: This variant is considered likely benign or benign based on one or more of the following criteria: it is a conservative change, it occurs at a poorly conserved position in the protein, it is predicted to be benign by multiple in silico algorithms, and/or has population frequency not consistent with disease.

NM_014244.5(ADAMTS2):c.2628C>T (p.Phe876=)

Gene: ADAMTS2 (ADAM metallopeptidase with thrombospondin type 1 motif 2; minus strand). Cytogenetic location: 5q35.3.
Variant type: single nucleotide variant.
Coding change: c.2628C>T on transcript NM_014244.5 (MANE Select); coding-DNA position 2628, C replaced by T.
Protein change: p.Phe876=; no amino-acid change (phenylalanine 876 retained).
Molecular consequence: synonymous variant.
Genome position (GRCh38, 1-based): chr5:179,126,120, G>A on the plus strand (C>T on the coding strand, the complement: ADAMTS2 is on the minus strand). VCF-style: chr5-179126120-G-A. GRCh37 (hg19) VCF-style: chr5-178553121-G-A.
Identifiers: ClinVar variation 512493 (VCV000512493.10), dbSNP rs371021469, ClinGen allele CA133030652.